The following is an entry in ClinVar:

NM_001349338.3(FOXP1):c.1147-1_1161dup

Gene: FOXP1 (forkhead box P1; minus strand). Cytogenetic location: 3p13.
Variant type: Duplication.
Coding change: c.1147-1_1161dup on transcript NM_001349338.3 (MANE Select); the canonical splice acceptor site of the intron before coding-DNA position 1147 through coding-DNA position 1161, 16 bases duplicated (GTTGAATCTGGTATCA).
Molecular consequence: splice acceptor variant.
Genome position (GRCh38, 1-based): chr3:70,978,015-70,978,030, TGATACCAGATTCAAC duplicated on the plus strand (GTTGAATCTGGTATCA on the coding strand, the reverse complement: FOXP1 is on the minus strand); duplicating any 16 consecutive bases within chr3:70,978,015-70,978,032 gives the same sequence; the c. name uses the placement nearest the transcript's 3' end. VCF-style (leftmost placement, unchanged base first): chr3-70978014-T-TTGATACCAGATTCAAC. GRCh37 (hg19) VCF-style: chr3-71027165-T-TTGATACCAGATTCAAC.
Other names: c.1147-1_1161dup (NM_001244810.2, NM_032682.6, NM_001349340.3 and 3 more transcripts); c.847-1_861dup (NM_001349342.3, NM_001370548.1, NM_001244815.2 and 1 more transcripts); c.844-1_858dup (NM_001349337.2, NM_001349344.3, NM_001349343.3); c.1144-1_1158dup (NM_001349341.3); c.919-1_933dup (NM_001244812.3).
Identifiers: ClinVar variation 1805541 (VCV001805541.1), dbSNP rs2545126621, ClinGen allele CA923726205.

ClinVar aggregate classification (germline): Pathogenic (1 of 4 stars; one submission).

Conditions:
Intellectual disability-severe speech delay-mild dysmorphism syndrome (IDDLA). Also called: Mental retardation with language impairment and autistic features; FOXP1 Syndrome; Intellectual developmental disorder with language impairment AND with or without autistic features. Identifiers: Orphanet 391372, MedGen C4013764, MONDO:0013352, OMIM 613670.

Submission:

Victorian Clinical Genetics Services, Murdoch Childrens Research Institute
Classification: Pathogenic for Intellectual disability-severe speech delay-mild dysmorphism syndrome. Last evaluated: 2020-06-11. Review status: criteria provided, single submitter. Criteria: ACMG Guidelines, 2015. Collection method: clinical testing. Allele origin: germline. Inheritance: Autosomal dominant inheritance.
Comment: Based on the classification scheme VCGS_Germline_v1.1.1, this variant is classified as Pathogenic. Following criteria are met: 0102 - Loss-of-function is a known mechanism of disease for this gene (OMIM). (N) 0107 - This gene is known to be associated with autosomal dominant disease (OMIM). (N) 0201 - Variant is predicted to cause nonsense-mediated decay (NMD) and loss of protein (exon 15 of 21). (P) 0251 - Variant is heterozygous. (N) 0301 - Variant is absent from gnomAD. (P) 0701 - Comparable variants have very strong previous evidence for pathogenicity. Multiple NMD-predicted variants have previously been reported pathogenic in clinical cases (ClinVar). (P) 0807 - Variant has not previously been reported in a clinical context. (N) 0905 - No segregation evidence has been identified for this variant. (N) 1007 - No published functional evidence has been identified for this variant. (N) 1208 - Inheritance information for this variant is not currently available. (N) Legend: (P) - Pathogenic, (N) - Neutral, (B) - Benign